The following is an entry in ClinVar:

NM_000302.4(PLOD1):c.2173G>A (p.Val725Ile)

Gene: PLOD1 (procollagen-lysine,2-oxoglutarate 5-dioxygenase 1; plus strand). Cytogenetic location: 1p36.22.
Variant type: single nucleotide variant.
Coding change: c.2173G>A on transcript NM_000302.4 (MANE Select); coding-DNA position 2173, G replaced by A.
Protein change: p.Val725Ile; replaces valine 725 with isoleucine.
Molecular consequence: missense variant.
Genome position (GRCh38, 1-based): chr1:11,974,797, G>A. VCF-style: chr1-11974797-G-A. GRCh37 (hg19) VCF-style: chr1-12034854-G-A.
Other names: c.2314G>A, p.Val772Ile (NM_001316320.2); c.2173G>A (NM_000302.3); short protein forms V725I, V772I.
Identifiers: ClinVar variation 659772 (VCV000659772.11), dbSNP rs151247380, ClinGen allele CA598691.

ClinVar aggregate classification (germline): Uncertain significance. Review status: criteria provided, multiple submitters, no conflicts (2 of 4 stars). 4 submissions from 4 submitters: Uncertain significance (4). Last evaluated 2026-04-01.

Conditions:
Ehlers-Danlos syndrome, kyphoscoliotic type 1 (EDSKSCL1). Also called: Ehlers-Danlos syndrome, hydroxylysine-deficient; PLOD1-Related Kyphoscoliotic Ehlers-Danlos Syndrome; EHLERS-DANLOS SYNDROME, TYPE VIA; EHLERS-DANLOS SYNDROME, OCULAR-SCOLIOTIC TYPE. Identifiers: Orphanet 1900, MedGen C0268342, MONDO:0016002, OMIM 225400. Disease mechanism: loss of function.
Familial thoracic aortic aneurysm and aortic dissection (TAAD). Also called: Thoracic aortic aneurysms and dissections. Identifiers: Orphanet 91387, MedGen C4707243, MONDO:0019625.

Allele frequency attached by ClinVar (database versions not stated): TOPMed 0.00002; ESP Exome Variant Server 0.00008.
gnomAD v4.1: 78 of 1,614,020 alleles (0.0048%); highest among the groups gnomAD compares: Middle Eastern, 0.016%; no homozygotes.

Submissions (4):

CeGaT Center for Human Genetics Tuebingen
Classification: Uncertain significance. Last evaluated: 2026-04-01. Review status: criteria provided, single submitter. Criteria: CeGaT Center For Human Genetics Tuebingen Variant Classification Criteria Version 2. Collection method: clinical testing. Allele origin: germline. Affected: yes. Observed: 1 variant allele.
Comment: PLOD1: PM2

Ambry Genetics
Classification: Uncertain significance for Familial thoracic aortic aneurysm and aortic dissection. Last evaluated: 2025-07-28. Review status: criteria provided, single submitter. Criteria: Ambry Variant Classification Scheme 2023. Collection method: clinical testing. Allele origin: germline.
Comment: The p.V725I variant (also known as c.2173G>A), located in coding exon 19 of the PLOD1 gene, results from a G to A substitution at nucleotide position 2173. The valine at codon 725 is replaced by isoleucine, an amino acid with highly similar properties. This amino acid position is conserved. In addition, this alteration is predicted to be tolerated by in silico analysis. Since supporting evidence is limited at this time, the clinical significance of this alteration remains unclear.

Blueprint Genetics
Classification: Uncertain significance. Last evaluated: 2024-03-08. Review status: criteria provided, single submitter. Criteria: ACMG Guidelines, 2015. Collection method: clinical testing. Allele origin: germline.

Labcorp Genetics (formerly Invitae), Labcorp
Classification: Uncertain significance for Ehlers-Danlos syndrome, kyphoscoliotic type 1. Last evaluated: 2022-10-17. Review status: criteria provided, single submitter. Criteria: Invitae Variant Classification Sherloc (09022015). Collection method: clinical testing. Allele origin: germline.
Comment: This sequence change replaces valine, which is neutral and non-polar, with isoleucine, which is neutral and non-polar, at codon 725 of the PLOD1 protein (p.Val725Ile). This variant is present in population databases (rs151247380, gnomAD 0.02%). This variant has not been reported in the literature in individuals affected with PLOD1-related conditions. ClinVar contains an entry for this variant (Variation ID: 659772). Algorithms developed to predict the effect of missense changes on protein structure and function (SIFT, PolyPhen-2, Align-GVGD) all suggest that this variant is likely to be tolerated. In summary, the available evidence is currently insufficient to determine the role of this variant in disease. Therefore, it has been classified as a Variant of Uncertain Significance.